The following is an entry in ClinVar:

NM_012330.4(KAT6B):c.3335G>A (p.Arg1112Lys)

Gene: KAT6B (lysine acetyltransferase 6B; plus strand). Cytogenetic location: 10q22.2.
Variant type: single nucleotide variant.
Coding change: c.3335G>A on transcript NM_012330.4 (MANE Select); coding-DNA position 3335, G replaced by A.
Protein change: p.Arg1112Lys; replaces arginine 1112 with lysine.
Molecular consequence: missense variant.
Genome position (GRCh38, 1-based): chr10:75,022,194, G>A. VCF-style: chr10-75022194-G-A. GRCh37 (hg19) VCF-style: chr10-76781952-G-A.
Other names: c.2786G>A, p.Arg929Lys (NM_001256468.2, NM_001370138.1); c.2459G>A, p.Arg820Lys (NM_001256469.2, NM_001370139.1, NM_001370140.1 and 2 more transcripts); c.2297G>A, p.Arg766Lys (NM_001370132.1); c.1646G>A, p.Arg549Lys (NM_001370133.1); c.1250G>A, p.Arg417Lys (NM_001370134.1); c.992G>A, p.Arg331Lys (NM_001370135.1); c.3335G>A, p.Arg1112Lys (NM_001370136.1, NM_001370137.1); c.2270G>A, p.Arg757Lys (NM_001370143.1, NM_001370144.1); short protein forms R549K, R757K, R1112K, R417K, R929K, R331K, R766K, R820K.
Identifiers: ClinVar variation 2156098 (VCV002156098.4), dbSNP rs2549171375, ClinGen allele CA377284996.

ClinVar aggregate classification (germline): Uncertain significance (1 of 4 stars; one submission).

Conditions:
Genitopatellar syndrome (GTPTS). Also called: Genitopatellar syndrome (GPS); ABSENT PATELLAE, SCROTAL HYPOPLASIA, RENAL ANOMALIES, FACIAL DYSMORPHISM, AND MENTAL RETARDATION. Identifiers: Orphanet 85201, MedGen C1853566, MONDO:0011640, OMIM 606170.

Allele frequency attached by ClinVar (database versions not stated): gnomAD exomes below 0.00001.
gnomAD v4.1: 3 of 1,613,316 alleles (0.00019%); highest among the groups gnomAD compares: African/African-American, 0.0013%; no homozygotes.

Submission:

Labcorp Genetics (formerly Invitae), Labcorp
Classification: Uncertain significance for Genitopatellar syndrome. Last evaluated: 2024-03-04. Review status: criteria provided, single submitter. Criteria: Invitae Variant Classification Sherloc (09022015). Collection method: clinical testing. Allele origin: germline.
Comment: This sequence change replaces arginine, which is basic and polar, with lysine, which is basic and polar, at codon 1112 of the KAT6B protein (p.Arg1112Lys). This variant is not present in population databases (gnomAD no frequency). This variant has not been reported in the literature in individuals affected with KAT6B-related conditions. ClinVar contains an entry for this variant (Variation ID: 2156098). Advanced modeling of protein sequence and biophysical properties (such as structural, functional, and spatial information, amino acid conservation, physicochemical variation, residue mobility, and thermodynamic stability) performed at Invitae indicates that this missense variant is not expected to disrupt KAT6B protein function with a negative predictive value of 80%. In summary, the available evidence is currently insufficient to determine the role of this variant in disease. Therefore, it has been classified as a Variant of Uncertain Significance.